The following continues an entry in ClinVar:

NM_000297.4(PKD2):c.916C>T (p.Arg306Ter)

Gene: PKD2. ClinVar aggregate classification (germline): Pathogenic. Pathogenic (19).

Submissions 19 to 21 of 21:

Juno Genomics, Hangzhou Juno Genomics, Inc
Classification: Pathogenic for Polycystic kidney disease 2. Review status: criteria provided, single submitter. Criteria: ACMG Guidelines, 2015. Collection method: clinical testing. Allele origin: germline.
Comment: Absent from controls (or at extremely low frequency if recessive) in Genome Aggregation Database.;Null variant in a gene where loss of function (LOF) is a known mechanism of disease.;The prevalence of the variant in affected individuals is significantly increased compared to the prevalence in controls.

PreventionGenetics, part of Exact Sciences
Classification: Pathogenic for PKD2-related condition. Last evaluated: 2024-03-13. Review status: no assertion criteria provided. Collection method: clinical testing. Allele origin: germline. Not counted in ClinVar's aggregate classification.
Comment: The PKD2 c.916C>T variant is predicted to result in premature protein termination (p.Arg306*). This variant has been reported in individuals with polycystic kidney disease (see for example, Veldhuisen et al. 1997. PubMed ID: 9326320; Zhang et al. 2019. PubMed ID: 29633482; Xu et al. 2018. PubMed ID: 29529603). This variant is reported in 0.00088% of alleles in individuals of European (Non-Finnish) descent in gnomAD. Nonsense variants in PKD2 are expected to be pathogenic. This variant is interpreted as pathogenic.

Department of Pathology and Laboratory Medicine, Sinai Health System
Classification: Pathogenic for Polycystic Kidney disease. Review status: no assertion criteria provided. Collection method: clinical testing. Allele origin: unknown. Affected: yes. Observed: 1 variant allele. Study: The Canadian Open Genetics Repository (COGR). Not counted in ClinVar's aggregate classification.
Comment: The PKD2 p.Arg306* variant was identified in 13 of 3960 proband chromosomes (frequency: 0.003) from individuals or families with autosomal dominant polycystic kidney disease (ADPKD; Audrezet 2012, Garcia-Gonzalez 2007, Magistroni 2003, Reiterova 2002, Rossetti 2007, Rossetti 2012, Stekrova 2004, Tan 2008, Torra 2000, Veldhuisen 1997, Vouk 2006). The variant was also identified in ClinVar (classified as pathogenic by Center of Genomic Medicine Geneva and Gharavi Laboratory at Columbia University), LOVD 3.0 (3x), and ADPKD Mutation Database (as definitely pathogenic). The variant was not identified in dbSNP or PKD1-LOVD. The variant was identified in control databases in 1 of 245930 chromosomes at a frequency of 0.000004 (Genome Aggregation Database Feb 27, 2017). The variant was observed in the European population in 1 of 111434 chromosomes (freq: 0.000009); it was not observed in the African, Other, Latino, Ashkenazi Jewish, East Asian, Finnish, or South Asian populations. The c.916C>T variant leads to a premature stop codon at position 306, which is predicted to lead to a truncated or absent protein and loss of function. Loss of function variants of the PKD2 gene are an established mechanism of disease in ADPKD and is the type of variant expected to cause the disorder. In summary, based on the above information, this variant meets our laboratoryâ€šÃ„Ã´s criteria to be classified as pathogenic.

Literature cited by the submitters: PubMed 17582161 (cited by Labcorp Genetics (formerly Invitae), Labcorp and Mayo Clinic Laboratories, Mayo Clinic); PubMed 22863349 (cited by Labcorp Genetics (formerly Invitae), Labcorp); PubMed 9326320 (cited by 4 submitters); PubMed 29529603 (cited by 3 submitters); PubMed 10760080 (cited by Mayo Clinic Laboratories, Mayo Clinic); PubMed 11007674 (cited by Mayo Clinic Laboratories, Mayo Clinic); PubMed 11968093 (cited by Mayo Clinic Laboratories, Mayo Clinic); PubMed 12707387 (cited by Mayo Clinic Laboratories, Mayo Clinic); PubMed 14993477 (cited by Mayo Clinic Laboratories, Mayo Clinic); PubMed 16430766 (cited by Mayo Clinic Laboratories, Mayo Clinic); PubMed 17574468 (cited by Mayo Clinic Laboratories, Mayo Clinic); PubMed 18837007 (cited by Mayo Clinic Laboratories, Mayo Clinic); PubMed 22508176 (cited by Mayo Clinic Laboratories, Mayo Clinic); PubMed 24113780 (cited by Mayo Clinic Laboratories, Mayo Clinic); PubMed 27499327 (cited by Mayo Clinic Laboratories, Mayo Clinic); PubMed 29633482 (cited by Mayo Clinic Laboratories, Mayo Clinic and Athena Diagnostics); PubMed 30586318 (cited by Mayo Clinic Laboratories, Mayo Clinic); PubMed 31589614 (cited by Mayo Clinic Laboratories, Mayo Clinic); PubMed 31740684 (cited by Mayo Clinic Laboratories, Mayo Clinic and Athena Diagnostics); PubMed 32970388 (cited by Mayo Clinic Laboratories, Mayo Clinic); PubMed 33437033 (cited by Mayo Clinic Laboratories, Mayo Clinic); PubMed 34101167 (cited by Mayo Clinic Laboratories, Mayo Clinic); PubMed 33532864 (cited by Molecular Biology Laboratory, Fundació Puigvert).